The following is an entry in ClinVar:

NM_014915.3(ANKRD26):c.832T>A (p.Leu278Ile)

Gene: ANKRD26 (ankyrin repeat domain 26; minus strand). Cytogenetic location: 10p12.1.
Variant type: single nucleotide variant.
Coding change: c.832T>A on transcript NM_014915.3 (MANE Select); coding-DNA position 832, T replaced by A.
Protein change: p.Leu278Ile; replaces leucine 278 with isoleucine.
Molecular consequence: missense variant.
Genome position (GRCh38, 1-based): chr10:27,077,675, A>T on the plus strand (T>A on the coding strand, the complement: ANKRD26 is on the minus strand). VCF-style: chr10-27077675-A-T. GRCh37 (hg19) VCF-style: chr10-27366604-A-T.
Other names: c.832T>A, p.Leu278Ile (NM_001256053.2); short protein forms L278I.
Identifiers: ClinVar variation 4578986 (VCV004578986.1).

ClinVar aggregate classification (germline): Uncertain significance (1 of 4 stars; one submission).

Conditions:
Inborn genetic diseases. Identifiers: MedGen C0950123, MeSH D030342.

Submission:

Ambry Genetics
Classification: Uncertain significance for Inborn genetic diseases. Last evaluated: 2025-09-28. Review status: criteria provided, single submitter. Criteria: Ambry Variant Classification Scheme 2023. Collection method: clinical testing. Allele origin: germline.
Comment: The p.L278I variant (also known as c.832T>A), located in coding exon 8 of the ANKRD26 gene, results from a T to A substitution at nucleotide position 832. The leucine at codon 278 is replaced by isoleucine, an amino acid with highly similar properties. This amino acid position is conserved. In addition, this alteration is predicted to be tolerated by in silico analysis. Based on the available evidence, the clinical significance of this variant remains unclear.